The following is an entry in ClinVar:

NM_000088.4(COL1A1):c.4325_4347del (p.Val1442fs)

Gene: COL1A1 (collagen type I alpha 1 chain; minus strand). Cytogenetic location: 17q21.33.
Variant type: Deletion.
Coding change: c.4325_4347del on transcript NM_000088.4 (MANE Select); coding-DNA positions 4325 to 4347, 23 bases deleted (TGGCCCCCTTGGACGTTGGTGCC).
Protein change: p.Val1442fs; shifts the reading frame from valine 1442.
Molecular consequence: frameshift variant.
Genome position (GRCh38, 1-based): chr17:50,185,550-50,185,572, GGCACCAACGTCCAAGGGGGCCA deleted on the plus strand (TGGCCCCCTTGGACGTTGGTGCC on the coding strand, the reverse complement: COL1A1 is on the minus strand). VCF-style (leftmost placement, unchanged base first): chr17-50185549-GGGCACCAACGTCCAAGGGGGCCA-G. GRCh37 (hg19) VCF-style: chr17-48262910-GGGCACCAACGTCCAAGGGGGCCA-G.
Other names: short protein forms V1442fs.
Identifiers: ClinVar variation 852886 (VCV000852886.10), dbSNP rs1906421838, ClinGen allele CA916080908.

ClinVar aggregate classification (germline): Pathogenic (1 of 4 stars; one submission).

Conditions:
Osteogenesis imperfecta type I (OI1). Also called: OI, TYPE I; OSTEOGENESIS IMPERFECTA TARDA; OSTEOGENESIS IMPERFECTA WITH BLUE SCLERAE; Osteogenesis imperfecta type 1; Lobstein disease; Classic Non-deforming Osteogenesis Imperfecta with Blue Sclerae. Identifiers: Orphanet 216796, Orphanet 666, MedGen C0023931, MONDO:0008146, OMIM 166200. Disease mechanism: loss of function.

Submission:

Labcorp Genetics (formerly Invitae), Labcorp
Classification: Pathogenic for Osteogenesis imperfecta type I. Last evaluated: 2019-12-14. Review status: criteria provided, single submitter. Criteria: Invitae Variant Classification Sherloc (09022015). Collection method: clinical testing. Allele origin: germline.
Comment: This sequence change results in a frameshift in the COL1A1 gene (p.Val1442Alafs*101). While this is not anticipated to result in nonsense mediated decay, it is expected to disrupt the last 23 amino acids of the COL1A1 protein and extend the protein by an additional 77 amino acids. For these reasons, this variant has been classified as Pathogenic. This variant results in an extension of the COL1A1 protein. Other variant(s) that result in a similarly extended protein product (p.Leu1445Profs*107) have been determined to be pathogenic (Invitae). This suggests that these extensions are likely to be causative of disease. This variant has not been reported in the literature in individuals with COL1A1-related conditions. This variant is not present in population databases (ExAC no frequency).